The following is an entry in ClinVar:

ClinVar aggregate classification (germline): Uncertain significance (1 of 4 stars; one submission).

Allele frequency attached by ClinVar (database versions not stated): gnomAD 0.00003.
gnomAD v4.1: 161 of 1,614,056 alleles (0.01%); highest among the groups gnomAD compares: Middle Eastern, 0.033%; no homozygotes.

Submission:

Labcorp Genetics (formerly Invitae), Labcorp
Classification: Uncertain significance. Last evaluated: 2025-10-11. Review status: criteria provided, single submitter. Criteria: Invitae Variant Classification Sherloc (09022015). Collection method: clinical testing. Allele origin: germline.
Comment: This sequence change replaces serine, which is neutral and polar, with leucine, which is neutral and non-polar, at codon 576 of the ADGRE2 protein (p.Ser576Leu). This variant is present in population databases (rs201874467, gnomAD 0.06%), and has an allele count higher than expected for a pathogenic variant. This variant has not been reported in the literature in individuals affected with ADGRE2-related conditions. ClinVar contains an entry for this variant (Variation ID: 2918640). An algorithm developed to predict the effect of missense changes on protein structure and function (PolyPhen-2) suggests that this variant is likely to be disruptive. In summary, the available evidence is currently insufficient to determine the role of this variant in disease. Therefore, it has been classified as a Variant of Uncertain Significance.

NM_013447.4(ADGRE2):c.1727C>T (p.Ser576Leu)

Gene: ADGRE2 (adhesion G protein-coupled receptor E2; minus strand). Cytogenetic location: 19p13.12.
Variant type: single nucleotide variant.
Coding change: c.1727C>T on transcript NM_013447.4 (MANE Select); coding-DNA position 1727, C replaced by T.
Protein change: p.Ser576Leu; replaces serine 576 with leucine.
Molecular consequence: missense variant.
Genome position (GRCh38, 1-based): chr19:14,752,390, G>A on the plus strand (C>T on the coding strand, the complement: ADGRE2 is on the minus strand). VCF-style: chr19-14752390-G-A. GRCh37 (hg19) VCF-style: chr19-14863202-G-A.
Other names: c.1553C>T, p.Ser518Leu (NM_001271052.1); c.1580C>T, p.Ser527Leu (NM_152916.2); c.1448C>T, p.Ser483Leu (NM_152917.2); short protein forms S576L, S483L, S527L, S518L.
Identifiers: ClinVar variation 2918640 (VCV002918640.3), dbSNP rs201874467, ClinGen allele CA9257627.